The following is an entry in ClinVar:

NM_001958.5(EEF1A2):c.1095A>C (p.Thr365=)

Gene: EEF1A2 (eukaryotic translation elongation factor 1 alpha 2; minus strand). Cytogenetic location: 20q13.33.
Variant type: single nucleotide variant.
Coding change: c.1095A>C on transcript NM_001958.5 (MANE Select); coding-DNA position 1095, A replaced by C.
Protein change: p.Thr365=; no amino-acid change (threonine 365 retained).
Molecular consequence: synonymous variant.
Genome position (GRCh38, 1-based): chr20:63,489,087, T>G on the plus strand (A>C on the coding strand, the complement: EEF1A2 is on the minus strand). VCF-style: chr20-63489087-T-G. GRCh37 (hg19) VCF-style: chr20-62120440-T-G.
Identifiers: ClinVar variation 384161 (VCV000384161.1), dbSNP rs1057521881, ClinGen allele CA16608518.

ClinVar aggregate classification (germline): Likely benign (1 of 4 stars; one submission).

Allele frequency attached by ClinVar (database versions not stated): gnomAD below 0.00001 and 0.00001.
gnomAD v4.1: 2 of 1,612,668 alleles (0.00012%); highest among the groups gnomAD compares: South Asian, 0.0022%; no homozygotes.

Submission:

GeneDx
Classification: Likely benign. Last evaluated: 2016-03-09. Review status: criteria provided, single submitter. Criteria: GeneDx Variant Classification (06012015). Collection method: clinical testing. Allele origin: germline. Affected: yes.
Comment: This variant is considered likely benign or benign based on one or more of the following criteria: it is a conservative change, it occurs at a poorly conserved position in the protein, it is predicted to be benign by multiple in silico algorithms, and/or has population frequency not consistent with disease.